The following is an entry in ClinVar:

NM_015374.3(SUN2):c.475G>A (p.Val159Ile)

Gene: SUN2 (Sad1 and UNC84 domain containing 2; minus strand). Cytogenetic location: 22q13.1.
Variant type: single nucleotide variant.
Coding change: c.475G>A on transcript NM_015374.3 (MANE Select); coding-DNA position 475, G replaced by A.
Protein change: p.Val159Ile; replaces valine 159 with isoleucine.
Molecular consequence: missense variant.
Genome position (GRCh38, 1-based): chr22:38,750,270, C>T on the plus strand (G>A on the coding strand, the complement: SUN2 is on the minus strand). VCF-style: chr22-38750270-C-T. GRCh37 (hg19) VCF-style: chr22-39146275-C-T.
Other names: c.538G>A, p.Val180Ile (NM_001199579.2); c.475G>A, p.Val159Ile (NM_001199580.2); short protein forms V159I, V180I.
Identifiers: ClinVar variation 1018654 (VCV001018654.9), dbSNP rs201453554, ClinGen allele CA10235914.

ClinVar aggregate classification (germline): Uncertain significance (1 of 4 stars; one submission).

Conditions:
Emery-Dreifuss muscular dystrophy (EDMD). Also called: Scapuloperoneal syndrome, X-linked (formerly); Humeroperoneal neuromuscular disease, (formerly). Identifiers: Orphanet 261, MedGen C0410189, MONDO:0016830.

Allele frequency attached by ClinVar (database versions not stated): gnomAD 0.00013; TOPMed 0.00013; 1000 Genomes Project 30x 0.00016; 1000 Genomes Project 0.00020.
gnomAD v4.1: 67 of 1,613,822 alleles (0.0042%); highest among the groups gnomAD compares: East Asian, 0.06%; no homozygotes.

Submission:

Labcorp Genetics (formerly Invitae), Labcorp
Classification: Uncertain significance for Emery-Dreifuss muscular dystrophy. Last evaluated: 2025-12-15. Review status: criteria provided, single submitter. Criteria: Invitae Variant Classification Sherloc (09022015). Collection method: clinical testing. Allele origin: germline.
Comment: This sequence change replaces valine, which is neutral and non-polar, with isoleucine, which is neutral and non-polar, at codon 159 of the SUN2 protein (p.Val159Ile). This variant is present in population databases (rs201453554, gnomAD 0.06%), and has an allele count higher than expected for a pathogenic variant. This variant has not been reported in the literature in individuals affected with SUN2-related conditions. ClinVar contains an entry for this variant (Variation ID: 1018654). An algorithm developed to predict the effect of missense changes on protein structure and function outputs the following: PolyPhen-2: "Benign". The isoleucine amino acid residue is found in multiple mammalian species, which suggests that this missense change does not adversely affect protein function. In summary, the available evidence is currently insufficient to determine the role of this variant in disease. Therefore, it has been classified as a Variant of Uncertain Significance.